The following is an entry in ClinVar:

NM_006031.6(PCNT):c.6496T>G (p.Trp2166Gly)

Gene: PCNT (pericentrin; plus strand). Cytogenetic location: 21q22.3.
Variant type: single nucleotide variant.
Coding change: c.6496T>G on transcript NM_006031.6 (MANE Select); coding-DNA position 6496, T replaced by G.
Protein change: p.Trp2166Gly; replaces tryptophan 2166 with glycine.
Molecular consequence: missense variant.
Genome position (GRCh38, 1-based): chr21:46,416,414, T>G. VCF-style: chr21-46416414-T-G. GRCh37 (hg19) VCF-style: chr21-47836328-T-G.
Other names: c.6142T>G, p.Trp2048Gly (NM_001315529.2); c.6496T>G (NM_006031.5); short protein forms W2048G, W2166G.
Identifiers: ClinVar variation 2116156 (VCV002116156.3), dbSNP rs925013322, ClinGen allele CA322000093.

ClinVar aggregate classification (germline): Uncertain significance. Review status: criteria provided, multiple submitters, no conflicts (2 of 4 stars). 2 submissions from 2 submitters: Uncertain significance (2). Last evaluated 2025-12-12.

Conditions:
PCNT-related disorder. Also called: PCNT-related condition.

Allele frequency attached by ClinVar (database versions not stated): TOPMed below 0.00001.

Submissions (2):

PreventionGenetics, part of Exact Sciences
Classification: Uncertain significance for PCNT-related condition. Last evaluated: 2025-12-12. Review status: criteria provided, single submitter. Criteria: ACMG Guidelines, 2015. Collection method: clinical testing. Allele origin: germline.
Comment: The PCNT c.6496T>G variant is predicted to result in the amino acid substitution p.Trp2166Gly. To our knowledge, this variant has not been reported in the literature or in a large population database (gnomAD), indicating this variant is rare. At this time, the clinical significance of this variant is uncertain due to the absence of conclusive functional and genetic evidence.

Labcorp Genetics (formerly Invitae), Labcorp
Classification: Uncertain significance. Last evaluated: 2025-01-27. Review status: criteria provided, single submitter. Criteria: Invitae Variant Classification Sherloc (09022015). Collection method: clinical testing. Allele origin: germline.
Comment: This sequence change replaces tryptophan, which is neutral and slightly polar, with glycine, which is neutral and non-polar, at codon 2166 of the PCNT protein (p.Trp2166Gly). This variant is not present in population databases (gnomAD no frequency). This variant has not been reported in the literature in individuals affected with PCNT-related conditions. ClinVar contains an entry for this variant (Variation ID: 2116156). An algorithm developed to predict the effect of missense changes on protein structure and function (PolyPhen-2) suggests that this variant is likely to be tolerated. In summary, the available evidence is currently insufficient to determine the role of this variant in disease. Therefore, it has been classified as a Variant of Uncertain Significance.